The following is an entry in ClinVar:

NM_000535.7(PMS2):c.2121T>C (p.Tyr707=)

Gene: PMS2 (PMS1 homolog 2, mismatch repair system component; minus strand). Cytogenetic location: 7p22.1.
Variant type: single nucleotide variant.
Coding change: c.2121T>C on transcript NM_000535.7 (MANE Select); coding-DNA position 2121, T replaced by C.
Protein change: p.Tyr707=; no amino-acid change (tyrosine 707 retained).
Molecular consequence: synonymous variant. On other transcripts: non-coding transcript variant (1).
Genome position (GRCh38, 1-based): chr7:5,982,877, A>G on the plus strand (T>C on the coding strand, the complement: PMS2 is on the minus strand). VCF-style: chr7-5982877-A-G. GRCh37 (hg19) VCF-style: chr7-6022508-A-G.
Other names: c.1716T>C, p.Tyr572= (NM_001322003.2, NM_001322004.2, NM_001322005.2 and 1 more transcripts); c.1965T>C, p.Tyr655= (NM_001322006.2); c.1803T>C, p.Tyr601= (NM_001322007.2, NM_001322008.2); c.1560T>C, p.Tyr520= (NM_001322010.2); c.1188T>C, p.Tyr396= (NM_001322011.2, NM_001322012.2); c.1548T>C, p.Tyr516= (NM_001322013.2); c.2121T>C, p.Tyr707= (NM_001322014.2); c.1812T>C, p.Tyr604= (NM_001322015.2).
Identifiers: ClinVar variation 560796 (VCV000560796.13), dbSNP rs1562615123, ClinGen allele CA453643152.
Genomic context (GRCh38, chr7:5,982,877, plus strand): 5'-CACTCACGCTATGAGCCTCTGCCCCTGGAGCACGGTGTGCTGCTGCAGCATCTCGAAGTT[A>G]TACTTCTCGTCCGTGGCATGCTGGTCCACTATGAAGATATCCTCATTCAGTTTGGTTATT-3'
Protein context (NP_000526.2, residues 697-717): IVDQHATDEK[Tyr707=]NFEMLQQHTV

ClinVar aggregate classification (germline): Benign/Likely benign. Review status: criteria provided, multiple submitters, no conflicts (2 of 4 stars). 4 submissions from 4 submitters: Benign (1); Likely benign (3). Last evaluated 2025-10-13.

Conditions:
Hereditary nonpolyposis colorectal neoplasms. Identifiers: MedGen C0009405, MeSH D003123.
Lynch syndrome 4 (LYNCH4). Also called: Colorectal cancer, hereditary nonpolyposis, type 4; Hereditary non-polyposis colorectal cancer, type 4. Identifiers: Orphanet 144, MedGen C1838333, MONDO:0013699, OMIM 614337. Disease mechanism: loss of function.
Hereditary cancer-predisposing syndrome. Also called: Hereditary neoplastic syndrome; Neoplastic Syndromes, Hereditary; Tumor predisposition; Hereditary Cancer Syndrome. Identifiers: Orphanet 140162, MedGen C0027672, MeSH D009386, MONDO:0015356.

Submissions (4):

Labcorp Genetics (formerly Invitae), Labcorp
Classification: Likely benign for Hereditary nonpolyposis colorectal neoplasms. Last evaluated: 2025-10-13. Review status: criteria provided, single submitter. Criteria: Invitae Variant Classification Sherloc (09022015). Collection method: clinical testing. Allele origin: germline.

Myriad Genetics, Inc.
Classification: Benign for Lynch syndrome 4. Last evaluated: 2025-02-03. Review status: criteria provided, single submitter. Criteria: Myriad Autosomal Dominant, Autosomal Recessive and X-Linked Classification Criteria (2023). Collection method: clinical testing. Allele origin: unknown.
Comment: This variant is considered benign. This variant is a silent/synonymous amino acid change and it is not expected to impact splicing.

Ambry Genetics
Classification: Likely benign for Hereditary cancer-predisposing syndrome. Last evaluated: 2021-12-08. Review status: criteria provided, single submitter. Criteria: Ambry Variant Classification Scheme 2023. Collection method: clinical testing. Allele origin: germline.

PreventionGenetics, part of Exact Sciences
Classification: Likely benign. Last evaluated: 2016-11-28. Review status: criteria provided, single submitter. Criteria: ACMG Guidelines, 2015. Collection method: clinical testing. Allele origin: germline.